The following is an entry in ClinVar:

NM_005529.7(HSPG2):c.324C>T (p.Phe108=)

Gene: HSPG2 (heparan sulfate proteoglycan 2; minus strand). Cytogenetic location: 1p36.12.
Variant type: single nucleotide variant.
Coding change: c.324C>T on transcript NM_005529.7 (MANE Select); coding-DNA position 324, C replaced by T.
Protein change: p.Phe108=; no amino-acid change (phenylalanine 108 retained).
Molecular consequence: synonymous variant.
Genome position (GRCh38, 1-based): chr1:21,890,615, G>A on the plus strand (C>T on the coding strand, the complement: HSPG2 is on the minus strand). VCF-style: chr1-21890615-G-A. GRCh37 (hg19) VCF-style: chr1-22217108-G-A.
Other names: c.324C>T, p.Phe108= (NM_001291860.2).
Identifiers: ClinVar variation 295913 (VCV000295913.20), dbSNP rs2501260, ClinGen allele CA673943.

ClinVar aggregate classification (germline): Benign. Review status: criteria provided, multiple submitters, no conflicts (2 of 4 stars). 9 submissions from 7 submitters: Benign (9). Last evaluated 2026-02-04.

Conditions:
Schwartz-Jampel syndrome. Also called: Myotonic myopathy dwarfism chondrodystrophy and ocular and facial abnormalities. Identifiers: Orphanet 800, MedGen C0036391, MONDO:0009717.
Lethal Kniest-like syndrome (DDSH). Also called: Dyssegmental Dysplasia. Identifiers: Orphanet 1865, MedGen C1857100, MONDO:0009140, OMIM 224410.

Allele frequency attached by ClinVar (database versions not stated): 1000 Genomes Project 30x 0.94472; 1000 Genomes Project 0.94808; TOPMed 0.95155; gnomAD 0.95305 and 0.95612; ESP Exome Variant Server 0.95379; ExAC 0.98608; gnomAD exomes 0.98874 and 0.99585.
gnomAD v4.1: 1,601,007 of 1,613,984 alleles (99%); highest among the groups gnomAD compares: East Asian, 100%; 794,937 homozygotes.

Submissions (9):

Labcorp Genetics (formerly Invitae), Labcorp
Classification: Benign. Last evaluated: 2026-02-04. Review status: criteria provided, single submitter. Criteria: Invitae Variant Classification Sherloc (09022015). Collection method: clinical testing. Allele origin: germline.

Blueprint Genetics
Classification: Benign. Last evaluated: 2024-11-26. Review status: criteria provided, single submitter. Criteria: ACMG Guidelines, 2015. Collection method: clinical testing. Allele origin: germline.

Genome-Nilou Lab
Classification: Benign for Lethal Kniest-like syndrome. Last evaluated: 2021-08-10. Review status: criteria provided, single submitter. Criteria: ACMG Guidelines, 2015. Collection method: clinical testing. Allele origin: germline. Affected: no.

Genome-Nilou Lab
Classification: Benign for Schwartz-Jampel syndrome type 1. Last evaluated: 2021-08-10. Review status: criteria provided, single submitter. Criteria: ACMG Guidelines, 2015. Collection method: clinical testing. Allele origin: germline. Affected: no.

Athena Diagnostics
Classification: Benign. Last evaluated: 2019-01-28. Review status: criteria provided, single submitter. Criteria: Athena Diagnostics Criteria. Collection method: clinical testing. Allele origin: germline.

GeneDx
Classification: Benign. Last evaluated: 2018-08-10. Review status: criteria provided, single submitter. Criteria: GeneDx Variant Classification Process June 2021. Collection method: clinical testing. Allele origin: germline. Affected: yes.

Illumina Laboratory Services, Illumina
Classification: Benign for Schwartz-Jampel syndrome type 1. Last evaluated: 2018-01-13. Review status: criteria provided, single submitter. Criteria: ICSL Variant Classification Criteria 13 December 2019. Collection method: clinical testing. Allele origin: germline.
Comment: This variant was observed in the ICSL laboratory as part of a predisposition screen in an ostensibly healthy population. It had not been previously curated by ICSL or reported in the Human Gene Mutation Database (HGMD: prior to June 1st, 2018), and was therefore a candidate for classification through an automated scoring system. Utilizing variant allele frequency, disease prevalence and penetrance estimates, and inheritance mode, an automated score was calculated to assess if this variant is too frequent to cause the disease. Based on the score and internal cut-off values, a variant classified as benign is not then subjected to further curation. The score for this variant resulted in a classification of benign for this disease.

Illumina Laboratory Services, Illumina
Classification: Benign for Lethal Kniest-like syndrome. Last evaluated: 2018-01-13. Review status: criteria provided, single submitter. Criteria: ICSL Variant Classification Criteria 13 December 2019. Collection method: clinical testing. Allele origin: germline.
Comment: the same text as in the submission from Illumina Laboratory Services, Illumina above.

Breakthrough Genomics
Classification: Benign. Review status: criteria provided, single submitter. Criteria: ACMG Guidelines, 2015. Collection method: not provided. Allele origin: germline. Inheritance: Autosomal recessive inheritance. Affected: yes.